The following is an entry in ClinVar:

ClinVar aggregate classification (germline): Likely benign. Review status: criteria provided, multiple submitters, no conflicts (2 of 4 stars). 3 submissions from 3 submitters: Likely benign (3). Last evaluated 2025-10-22.

Conditions:
ETV6-related disorder. Also called: ETV6-related condition.
Inborn genetic diseases. Identifiers: MedGen C0950123, MeSH D030342.

Allele frequency attached by ClinVar (database versions not stated): ExAC 0.00002; gnomAD 0.00003; TOPMed 0.00004; 1000 Genomes Project 30x 0.00031.
gnomAD v4.1: 59 of 1,613,932 alleles (0.0037%); highest among the groups gnomAD compares: Admixed American, 0.0083%; no homozygotes.

Submissions (3):

Labcorp Genetics (formerly Invitae), Labcorp
Classification: Likely benign. Last evaluated: 2025-10-22. Review status: criteria provided, single submitter. Criteria: Invitae Variant Classification Sherloc (09022015). Collection method: clinical testing. Allele origin: germline.

PreventionGenetics, part of Exact Sciences
Classification: Likely benign for ETV6-related condition. Last evaluated: 2025-06-17. Review status: criteria provided, single submitter. Criteria: ACMG Guidelines, 2015. Collection method: clinical testing. Allele origin: germline.
Comment: This variant is classified as likely benign based on ACMG/AMP sequence variant interpretation guidelines (Richards et al. 2015 PMID: 25741868, with internal and published modifications).

Ambry Genetics
Classification: Likely benign for Inborn genetic diseases. Last evaluated: 2024-10-05. Review status: criteria provided, single submitter. Criteria: Ambry Variant Classification Scheme 2023. Collection method: clinical testing. Allele origin: germline.

NM_001987.5(ETV6):c.96A>C (p.Pro32=)

Gene: ETV6 (ETS variant transcription factor 6; plus strand). Cytogenetic location: 12p13.2.
Variant type: single nucleotide variant.
Coding change: c.96A>C on transcript NM_001987.5 (MANE Select); coding-DNA position 96, A replaced by C.
Protein change: p.Pro32=; no amino-acid change (proline 32 retained).
Molecular consequence: synonymous variant. On other transcripts: intron variant (1).
Genome position (GRCh38, 1-based): chr12:11,752,512, A>C. VCF-style: chr12-11752512-A-C. GRCh37 (hg19) VCF-style: chr12-11905446-A-C.
Other names: c.93A>C, p.Pro31= (NM_001413913.1); c.69A>C, p.Pro23= (NM_001413914.1); c.96A>C, p.Pro32= (NM_001413916.1, NM_001413917.1, NM_001413918.1); c.-101-86628A>C (NM_001413915.1).
Identifiers: ClinVar variation 3015900 (VCV003015900.5), dbSNP rs201002416, ClinGen allele CA6454114.